The following is an entry in ClinVar:

NC_000001.11:g.(?_3069240)_(3433831_?)del

Genes: MIR4251 (microRNA 4251; plus strand), PRDM16-DT (PRDM16 divergent transcript; minus strand), PRDM16 (PR/SET domain 16; plus strand), LOC120851201 (Sharpr-MPRA regulatory region 1987; plus strand), LOC121967052 (Sharpr-MPRA regulatory region 10388; plus strand) and 11 more. Cytogenetic location: 1p36.32.
Variant type: Deletion.
Identifiers: ClinVar variation 474400 (VCV000474400.1).

ClinVar aggregate classification (germline): Uncertain significance (1 of 4 stars; one submission).

Conditions:
Left ventricular noncompaction 8 (LVNC8). Identifiers: Orphanet 154, Orphanet 54260, MedGen C3809288, MONDO:0014152, OMIM 615373.

Submission:

Labcorp Genetics (formerly Invitae), Labcorp
Classification: Uncertain significance for Left ventricular noncompaction 8. Last evaluated: 2017-04-11. Review status: criteria provided, single submitter. Criteria: Invitae Variant Classification Sherloc (09022015). Collection method: clinical testing. Allele origin: germline.
Comment: A gross deletion of the genomic region encompassing the full coding sequence of the PRDM16 gene has been identified. The boundaries of this event are unknown as the deletion extends beyond the assayed region for this gene and therefore may encompass additional genes. Deletions of the genomic region encompassing PRDM16 have been associated with cardiomyopathy (PMID: 23768516), although there is some controversy about whether the evidence supports this conclusion (PMID: 24387995). The current clinical and genetic evidence is not sufficient to establish whether loss-of-function variants in PRDM16 cause disease. Therefore, this variant has been classified as a Variant of Uncertain Significance.